The following is an entry in ClinVar:

ClinVar aggregate classification (germline): Pathogenic/Likely pathogenic. Review status: criteria provided, multiple submitters, no conflicts (2 of 4 stars). 5 submissions from 5 submitters: Pathogenic (4); Likely pathogenic (1). Last evaluated 2025-10-30.

Conditions:
Leukoencephalopathy with vanishing white matter 1 (VWM1). Also called: Vanishing white matter leukodystrophy; EIF2B1-Related Childhood Ataxia with Central Nervous System Hypomyelination/Vanishing White Matter; CHILDHOOD ATAXIA WITH CENTRAL NERVOUS SYSTEM HYPOMYELINIZATION; Cree leukoencephalopathy. Identifiers: Orphanet 99854, MedGen C5779972, MONDO:0020507, OMIM 603896.
Vanishing white matter disease. Also called: CACH syndrome; Childhood ataxia with diffuse central nervous system hypomyelination; Leukoencephalopathy with vanishing white matter; CACH/VWM syndrome; Cree leukoencehalopathy. Identifiers: Orphanet 135, Orphanet 99853, MedGen C1858991, MONDO:0800448.

Allele frequency attached by ClinVar (database versions not stated): TOPMed below 0.00001; gnomAD exomes 0.00001.

Submissions (5):

Natera, Inc.
Classification: Pathogenic for Leukoencephalopathy with vanishing white matter. Last evaluated: 2025-10-30. Review status: criteria provided, single submitter. Criteria: Natera Variant Classification Schema (03/2026). Collection method: clinical testing. Allele origin: germline.
Comment: The c.896G>A variant in EIF2B5 is a missense variant predicted to cause substitution of arginine to histidine at amino acid 299. This variant is rare in the general population with a frequency below the threshold expected for the associated phenotype(s). This variant has been observed in one or more individuals affected with the associated recessive disease, as either homozygous or compound heterozygous with a second variant (PMID: 29995139, 20975056). This variant has been observed to segregate in affected family members (PMID: 20975056). Computational prediction algorithms indicate this variant is likely to affect gene or protein function. Given the available evidence, this variant is classified as Pathogenic.

Labcorp Genetics (formerly Invitae), Labcorp
Classification: Pathogenic. Last evaluated: 2024-10-24. Review status: criteria provided, single submitter. Criteria: Invitae Variant Classification Sherloc (09022015). Collection method: clinical testing. Allele origin: germline.
Comment: This sequence change replaces arginine, which is basic and polar, with histidine, which is basic and polar, at codon 299 of the EIF2B5 protein (p.Arg299His). This variant is not present in population databases (gnomAD no frequency). This missense change has been observed in individuals with leukoencephalopathy with vanishing white matter and ovarioleukodystrophy (PMID: 11704758, 18005052, 22699478, 29995139). ClinVar contains an entry for this variant (Variation ID: 372361). Invitae Evidence Modeling of protein sequence and biophysical properties (such as structural, functional, and spatial information, amino acid conservation, physicochemical variation, residue mobility, and thermodynamic stability) indicates that this missense variant is not expected to disrupt EIF2B5 protein function with a negative predictive value of 80%. Experimental studies have shown that this missense change affects EIF2B5 function (PMID: 14993275, 21560189). For these reasons, this variant has been classified as Pathogenic.

Women's Health and Genetics/Laboratory Corporation of America, LabCorp
Classification: Pathogenic for Vanishing white matter disease. Last evaluated: 2023-07-26. Review status: criteria provided, single submitter. Criteria: LabCorp Variant Classification Summary - May 2015. Collection method: clinical testing. Allele origin: germline.
Comment: Variant summary: EIF2B5 c.896G>A (p.Arg299His) results in a non-conservative amino acid change in the encoded protein sequence. Three of five in-silico tools predict a damaging effect of the variant on protein function. The variant was absent in 251438 control chromosomes (gnomAD). c.896G>A has been reported in the literature in multiple individuals affected with Leukoencephalopathy With Vanishing White Matter (example: Slynko_2021). These data indicate that the variant is very likely to be associated with disease. The following publication has been ascertained in the context of this evaluation (PMID: 33432707). Three submitters have cited clinical-significance assessments for this variant to ClinVar after 2014. All submitters classified the variant as pathogenic/likely pathogenic. Based on the evidence outlined above, the variant was classified as pathogenic.

GeneDx
Classification: Likely pathogenic. Last evaluated: 2016-09-12. Review status: criteria provided, single submitter. Criteria: GeneDx Variant Classification (06012015). Collection method: clinical testing. Allele origin: germline. Affected: yes.
Comment: The R299H variant in the EIF2B5 gene has been reported previously in multiple individuals with vanishing white matter disease (VWM) who were heterozygous for R299H and the R113H pathogenic variant (Leegwater et al., 2001; Peter et al., 2008; Liu et al., 2011; Imam et al., 2011). However, familial segregation information was not included in these publications. The R299H variant was not observed in approximately 6500 individuals of European and African American ancestry in the NHLBI Exome Sequencing Project, indicating it is not a common benign variant in these populations. The R299H variant is a conservative amino acid substitution, which is not likely to impact secondary protein structure as these residues share similar properties. This substitution occurs at a position where amino acids with similar properties to Arginine are tolerated across species and the Histidine residue is present in two vertebrates. Functional studies of this variant in yeast indicate that it leads to a defect in gene function; note that the R299H variant is called R284H based on alternate nomenclature in yeast (Richardson et al., 2004). Based on review of the data in the context of the 2015 ACMG standards and guidelines for the interpretation of sequence variants (Richards et al., 2015), we interpret R299H as a likely pathogenic variant, however the possibility it may be a rare benign variant cannot be excluded.

Neuberg Centre For Genomic Medicine, NCGM
Classification: Pathogenic for Leukoencephalopathy with vanishing white matter 1. Review status: criteria provided, single submitter. Criteria: ACMG Guidelines, 2015. Collection method: clinical testing. Allele origin: germline. Inheritance: Autosomal recessive inheritance. Affected: yes.
Comment: The EIF2B5 c.896G>A (p.Arg299His) variant has been observed in individuals affected with leukoencephalopathy with vanishing white matter and ovarioleukodystrophy (Leegwater PA et al). Experimental studies have shown that this variant affects EIF2B5 protein function (Liu R et al). The p.Arg299His variant is novel (not in any individuals) in gnomAD Exomes and 1000 Genomes. It has been submitted to ClinVar as Likely Pathogenic. The amino acid Arg at position 299 is changed to a His changing protein sequence and it might alter its composition and physico-chemical properties. The amino acid change p.Arg299His in EIF2B5 is predicted as conserved by GERP++ and PhyloP across 100 vertebrates. For these reasons, this variant has been classified as Pathogenic.

Literature cited by the submitters: PubMed 29995139 (cited by Natera, Inc. and Labcorp Genetics (formerly Invitae), Labcorp); PubMed 20975056 (cited by Natera, Inc.); PubMed 11704758 (cited by Labcorp Genetics (formerly Invitae), Labcorp); PubMed 18005052 (cited by Labcorp Genetics (formerly Invitae), Labcorp); PubMed 22699478 (cited by Labcorp Genetics (formerly Invitae), Labcorp); PubMed 14993275 (cited by Labcorp Genetics (formerly Invitae), Labcorp); PubMed 21560189 (cited by Labcorp Genetics (formerly Invitae), Labcorp); PubMed 33432707 (cited by Women's Health and Genetics/Laboratory Corporation of America, LabCorp).

NM_003907.3(EIF2B5):c.896G>A (p.Arg299His)

Gene: EIF2B5 (eukaryotic translation initiation factor 2B subunit epsilon; plus strand). Cytogenetic location: 3q27.1.
Variant type: single nucleotide variant.
Coding change: c.896G>A on transcript NM_003907.3 (MANE Select); coding-DNA position 896, G replaced by A.
Protein change: p.Arg299His; replaces arginine 299 with histidine.
Molecular consequence: missense variant.
Genome position (GRCh38, 1-based): chr3:184,140,470, G>A. VCF-style: chr3-184140470-G-A. GRCh37 (hg19) VCF-style: chr3-183858258-G-A.
Other names: short protein forms R299H.
Identifiers: ClinVar variation 372361 (VCV000372361.12), dbSNP rs113994060, ClinGen allele CA16042501.